The following is an entry in ClinVar:

NM_016138.5(COQ7):c.507+240A>G

Gene: COQ7 (coenzyme Q7, hydroxylase; plus strand). Cytogenetic location: 16p12.3.
Variant type: single nucleotide variant.
Coding change: c.507+240A>G on transcript NM_016138.5 (MANE Select); 240 bases into the intron after coding-DNA position 507, A replaced by G.
Molecular consequence: intron variant.
Genome position (GRCh38, 1-based): chr16:19,076,100, A>G. VCF-style: chr16-19076100-A-G. GRCh37 (hg19) VCF-style: chr16-19087422-A-G.
Other names: c.507+240A>G (NM_001370490.1); c.393+240A>G (NM_001370494.1, NM_001190983.2, NM_001370495.1 and 2 more transcripts); c.465+240A>G (NM_001370489.1, NM_001370491.1).
Identifiers: ClinVar variation 673392 (VCV000673392.1), dbSNP rs58113237, ClinGen allele CA15881945.

ClinVar aggregate classification (germline): Benign (1 of 4 stars; one submission).

Allele frequency attached by ClinVar (database versions not stated): gnomAD 0.03937 and 0.04260; TOPMed 0.04373; 1000 Genomes Project 30x 0.07714; 1000 Genomes Project 0.07728.
gnomAD v4.1: 6,450 of 151,694 alleles (4.3%); highest among the groups gnomAD compares: South Asian, 13%; 189 homozygotes.

Submission:

GeneDx
Classification: Benign. Last evaluated: 2018-06-16. Review status: criteria provided, single submitter. Criteria: GeneDx Variant Classification (06012015). Collection method: clinical testing. Allele origin: germline. Affected: yes.
Comment: This variant is considered likely benign or benign based on one or more of the following criteria: it is a conservative change, it occurs at a poorly conserved position in the protein, it is predicted to be benign by multiple in silico algorithms, and/or has population frequency not consistent with disease.